The following is an entry in ClinVar:

NM_153704.6(TMEM67):c.2532C>T (p.Asp844=)

Gene: TMEM67 (transmembrane protein 67; plus strand). Cytogenetic location: 8q22.1.
Variant type: single nucleotide variant.
Coding change: c.2532C>T on transcript NM_153704.6 (MANE Select); coding-DNA position 2532, C replaced by T.
Protein change: p.Asp844=; no amino-acid change (aspartic acid 844 retained).
Molecular consequence: synonymous variant. On other transcripts: non-coding transcript variant (1).
Genome position (GRCh38, 1-based): chr8:93,808,932, C>T. VCF-style: chr8-93808932-C-T. GRCh37 (hg19) VCF-style: chr8-94821160-C-T.
Other names: c.2289C>T, p.Asp763= (NM_001142301.1).
Identifiers: ClinVar variation 2089085 (VCV002089085.5), dbSNP rs771098362, ClinGen allele CA4808324.

ClinVar aggregate classification (germline): Conflicting classifications of pathogenicity. Review status: criteria provided, conflicting classifications (1 of 4 stars). 2 submissions from 2 submitters: Uncertain significance (1); Likely benign (1). Last evaluated 2025-07-29.

Conditions:
TMEM67-related disorder. Also called: TMEM67-related condition; TMEM67-related disorders. Identifiers: MedGen CN239423.
Joubert syndrome. Also called: JOUBERT-BOLTSHAUSER SYNDROME; Familial aplasia of the vermis. Identifiers: Orphanet 475, MedGen C5979921, MONDO:0018772.
Meckel-Gruber syndrome. Also called: DYSENCEPHALIA SPLANCHNOCYSTICA; GRUBER SYNDROME; Dysencephalia splachnocystica. Identifiers: Orphanet 564, MedGen C0265215, MONDO:0018921.

Allele frequency attached by ClinVar (database versions not stated): ExAC 0.00001; gnomAD 0.00002; TOPMed 0.00002.
gnomAD v4.1: 3 of 1,608,698 alleles (0.00019%); highest among the groups gnomAD compares: African/African-American, 0.004%; no homozygotes.

Submissions (2):

PreventionGenetics, part of Exact Sciences
Classification: Uncertain significance for TMEM67-related condition. Last evaluated: 2025-07-29. Review status: criteria provided, single submitter. Criteria: ACMG Guidelines, 2015. Collection method: clinical testing. Allele origin: germline.
Comment: The TMEM67 c.2532C>T variant is not predicted to result in an amino acid change (p.=). This variant is predicted to alter splicing based on available splicing prediction programs (SpliceAI, Jaganathan et al. 2019. PubMed ID: 30661751). To our knowledge, this variant has not been reported in the literature. This variant is reported in 0.0062% of alleles in individuals of African descent in gnomAD. At this time, the clinical significance of this variant is uncertain due to the absence of conclusive functional and genetic evidence.

Labcorp Genetics (formerly Invitae), Labcorp
Classification: Likely benign for Joubert syndrome; Meckel-Gruber syndrome. Last evaluated: 2023-11-27. Review status: criteria provided, single submitter. Criteria: Invitae Variant Classification Sherloc (09022015). Collection method: clinical testing. Allele origin: germline.